The following is an entry in ClinVar:

ClinVar aggregate classification (germline): Uncertain significance. Review status: criteria provided, multiple submitters, no conflicts (2 of 4 stars). 3 submissions from 3 submitters: Uncertain significance (3). Last evaluated 2024-10-01.

Conditions:
Inborn genetic diseases. Identifiers: MedGen C0950123, MeSH D030342.
Perlman syndrome (PRLMNS). Identifiers: Orphanet 2849, MedGen C0796113, MONDO:0009965, OMIM 267000.

Allele frequency attached by ClinVar (database versions not stated): gnomAD exomes below 0.00001 and 0.00001; ExAC 0.00001; TOPMed 0.00001.
gnomAD v4.1: 10 of 1,614,120 alleles (0.00062%); highest among the groups gnomAD compares: Non-Finnish European, 0.00085%; no homozygotes.

Submissions (3):

Ambry Genetics
Classification: Uncertain significance for Inborn genetic diseases. Last evaluated: 2024-10-01. Review status: criteria provided, single submitter. Criteria: Ambry Variant Classification Scheme 2023. Collection method: clinical testing. Allele origin: germline.

Labcorp Genetics (formerly Invitae), Labcorp
Classification: Uncertain significance for Perlman syndrome. Last evaluated: 2023-04-15. Review status: criteria provided, single submitter. Criteria: Invitae Variant Classification Sherloc (09022015). Collection method: clinical testing. Allele origin: germline.
Comment: An algorithm developed to predict the effect of missense changes on protein structure and function (PolyPhen-2) suggests that this variant is likely to be tolerated. ClinVar contains an entry for this variant (Variation ID: 422482). This variant has not been reported in the literature in individuals affected with DIS3L2-related conditions. This variant is present in population databases (rs756293168, gnomAD 0.0009%). This sequence change replaces lysine, which is basic and polar, with glutamic acid, which is acidic and polar, at codon 46 of the DIS3L2 protein (p.Lys46Glu). In summary, the available evidence is currently insufficient to determine the role of this variant in disease. Therefore, it has been classified as a Variant of Uncertain Significance.

GeneDx
Classification: Uncertain significance. Last evaluated: 2022-05-17. Review status: criteria provided, single submitter. Criteria: GeneDx Variant Classification Process June 2021. Collection method: clinical testing. Allele origin: germline. Affected: yes.
Comment: Not observed at significant frequency in large population cohorts (gnomAD); In silico analysis supports that this missense variant does not alter protein structure/function; Has not been previously published as pathogenic or benign to our knowledge

NM_152383.5(DIS3L2):c.136A>G (p.Lys46Glu)

Gene: DIS3L2 (DIS3 like 3'-5' exoribonuclease 2; plus strand). Cytogenetic location: 2q37.1.
Variant type: single nucleotide variant.
Coding change: c.136A>G on transcript NM_152383.5 (MANE Select); coding-DNA position 136, A replaced by G.
Protein change: p.Lys46Glu; replaces lysine 46 with glutamic acid.
Molecular consequence: missense variant. On other transcripts: non-coding transcript variant (2).
Genome position (GRCh38, 1-based): chr2:232,015,597, A>G. VCF-style: chr2-232015597-A-G. GRCh37 (hg19) VCF-style: chr2-232880307-A-G.
Other names: c.136A>G, p.Lys46Glu (NM_001257281.2, NM_001257282.2); short protein forms K46E.
Identifiers: ClinVar variation 422482 (VCV000422482.12), dbSNP rs756293168, ClinGen allele CA2163729.
Genomic context (GRCh38, chr2:232,015,597, plus strand): 5'-CATGACATTGGTGCTTCGCCAGGTGACAAAAAGTCAAAGAACAGGTCCACACGAGGGAAG[A>G]AAAAGAGCATATTTGAAACTTACATGTCCAAGGAGGATGTTTCAGAAGGCTTGAAGAGAG-3'
Protein context (NP_689596.4, residues 36-56): KSKNRSTRGK[Lys46Glu]KSIFETYMSK